The following is an entry in ClinVar:

ClinVar aggregate classification (germline): Uncertain significance. Review status: criteria provided, multiple submitters, no conflicts (2 of 4 stars). 2 submissions from 2 submitters: Uncertain significance (2). Last evaluated 2022-05-19.

Conditions:
Immunodeficiency 35 (IMD35). Also called: HIES WITH ATYPICAL MYCOBACTERIOSIS, AUTOSOMAL RECESSIVE; HYPER-IgE SYNDROME WITH ATYPICAL MYCOBACTERIOSIS, AUTOSOMAL RECESSIVE; TYK2 DEFICIENCY; Susceptibility to infection due to TYK2 deficiency. Identifiers: Orphanet 331226, MedGen C1969086, MONDO:0012682, OMIM 611521.

Allele frequency attached by ClinVar (database versions not stated): gnomAD 0.00001 and 0.00002; TOPMed 0.00004; ESP Exome Variant Server 0.00008.
gnomAD v4.1: 66 of 1,613,012 alleles (0.0041%); highest among the groups gnomAD compares: Non-Finnish European, 0.0053%; no homozygotes.

Submissions (2):

Labcorp Genetics (formerly Invitae), Labcorp
Classification: Uncertain significance for Immunodeficiency 35. Last evaluated: 2022-05-19. Review status: criteria provided, single submitter. Criteria: Invitae Variant Classification Sherloc (09022015). Collection method: clinical testing. Allele origin: germline.
Comment: This sequence change replaces valine, which is neutral and non-polar, with methionine, which is neutral and non-polar, at codon 277 of the TYK2 protein (p.Val277Met). This variant is present in population databases (rs148520054, gnomAD 0.008%). This variant has not been reported in the literature in individuals affected with TYK2-related conditions. ClinVar contains an entry for this variant (Variation ID: 890257). Algorithms developed to predict the effect of missense changes on protein structure and function are either unavailable or do not agree on the potential impact of this missense change (SIFT: "Not Available"; PolyPhen-2: "Possibly Damaging"; Align-GVGD: "Not Available"). In summary, the available evidence is currently insufficient to determine the role of this variant in disease. Therefore, it has been classified as a Variant of Uncertain Significance.

Illumina Laboratory Services, Illumina
Classification: Uncertain significance for Immunodeficiency 35. Last evaluated: 2018-01-12. Review status: criteria provided, single submitter. Criteria: ICSL Variant Classification Criteria 13 December 2019. Collection method: clinical testing. Allele origin: germline.

NM_003331.5(TYK2):c.829G>A (p.Val277Met)

Gene: TYK2 (tyrosine kinase 2; minus strand). Cytogenetic location: 19p13.2.
Variant type: single nucleotide variant.
Coding change: c.829G>A on transcript NM_003331.5 (MANE Select); coding-DNA position 829, G replaced by A.
Protein change: p.Val277Met; replaces valine 277 with methionine.
Molecular consequence: missense variant.
Genome position (GRCh38, 1-based): chr19:10,365,699, C>T on the plus strand (G>A on the coding strand, the complement: TYK2 is on the minus strand). VCF-style: chr19-10365699-C-T. GRCh37 (hg19) VCF-style: chr19-10476375-C-T.
Other names: short protein forms V277M.
Identifiers: ClinVar variation 890257 (VCV000890257.6), dbSNP rs148520054, ClinGen allele CA9193601.
Genomic context (GRCh38, chr19:10,365,699, plus strand): 5'-CACTGTCCCGGATGTAGCAGGGCTCCCCCTCGGCCTGGGCCAGCAGCCTCAGGTGGCACA[C>T]GGGCACACGCTCTGTGCCGAAGCGGGGTGCCAGCCGCTCGAGTGTGGCTAGGTATTTGAC-3'
Protein context (NP_003322.3, residues 267-287): APRFGTERVP[Val277Met]CHLRLLAQAE